The following is an entry in ClinVar:

NC_000001.10:g.(?_154378106)_(154408606_?)dup

Gene: IL6R (interleukin 6 receptor; plus strand). Cytogenetic location: 1q21.3.
Variant type: Duplication.
Identifiers: ClinVar variation 3247899 (VCV003247899.1).

ClinVar aggregate classification (germline): Uncertain significance (1 of 4 stars; one submission).

Submission:

Labcorp Genetics (formerly Invitae), Labcorp
Classification: Uncertain significance. Last evaluated: 2023-05-22. Review status: criteria provided, single submitter. Criteria: Invitae Variant Classification Sherloc (09022015). Collection method: clinical testing. Allele origin: unknown.
Comment: In summary, the available evidence is currently insufficient to determine the role of this variant in disease. Therefore, it has been classified as a Variant of Uncertain Significance. This variant has not been reported in the literature in individuals affected with IL6R-related conditions. This variant results in a copy number gain of the genomic region encompassing exon(s) 1-6 of the IL6R gene. This region includes the initiator codon of the gene. This copy number gain extends beyond the assayed region for this gene and therefore may encompass additional genes. As the precise location of this event is unknown, it may be in tandem or it may be located elsewhere in the genome.